The following is an entry in ClinVar:

NM_001004334.4(GPR179):c.6343T>C (p.Cys2115Arg)

Gene: GPR179 (G protein-coupled receptor 179; minus strand). Cytogenetic location: 17q12.
Variant type: single nucleotide variant.
Coding change: c.6343T>C on transcript NM_001004334.4 (MANE Select); coding-DNA position 6343, T replaced by C.
Protein change: p.Cys2115Arg; replaces cysteine 2115 with arginine.
Molecular consequence: missense variant.
Genome position (GRCh38, 1-based): chr17:38,327,226, A>G on the plus strand (T>C on the coding strand, the complement: GPR179 is on the minus strand). VCF-style: chr17-38327226-A-G. GRCh37 (hg19) VCF-style: chr17-36483109-A-G.
Other names: short protein forms C2115R.
Identifiers: ClinVar variation 1382876 (VCV001382876.6), dbSNP rs2144254708, ClinGen allele CA398869645.

ClinVar aggregate classification (germline): Uncertain significance (1 of 4 stars; one submission).

Allele frequency attached by ClinVar (database versions not stated): gnomAD exomes below 0.00001.
gnomAD v4.1: 1 of 1,614,140 alleles (0.000062%); highest among the groups gnomAD compares: Non-Finnish European, 0.000085%; no homozygotes.

Submission:

Labcorp Genetics (formerly Invitae), Labcorp
Classification: Uncertain significance. Last evaluated: 2023-11-06. Review status: criteria provided, single submitter. Criteria: Invitae Variant Classification Sherloc (09022015). Collection method: clinical testing. Allele origin: germline.
Comment: This sequence change replaces cysteine, which is neutral and slightly polar, with arginine, which is basic and polar, at codon 2115 of the GPR179 protein (p.Cys2115Arg). This variant is not present in population databases (gnomAD no frequency). This variant has not been reported in the literature in individuals affected with GPR179-related conditions. ClinVar contains an entry for this variant (Variation ID: 1382876). An algorithm developed to predict the effect of missense changes on protein structure and function (PolyPhen-2) suggests that this variant is likely to be tolerated. In summary, the available evidence is currently insufficient to determine the role of this variant in disease. Therefore, it has been classified as a Variant of Uncertain Significance.